The following is an entry in ClinVar:

NM_001110556.2(FLNA):c.4524C>T (p.Thr1508=)

Gene: FLNA (filamin A; minus strand). Cytogenetic location: Xq28.
Variant type: single nucleotide variant.
Coding change: c.4524C>T on transcript NM_001110556.2 (MANE Select); coding-DNA position 4524, C replaced by T.
Protein change: p.Thr1508=; no amino-acid change (threonine 1508 retained).
Molecular consequence: synonymous variant.
Genome position (GRCh38, 1-based): chrX:154,358,519, G>A on the plus strand (C>T on the coding strand, the complement: FLNA is on the minus strand). VCF-style: chrX-154358519-G-A. GRCh37 (hg19) VCF-style: chrX-153586887-G-A.
Other names: p.Thr1508=; c.4524C>T, p.Thr1508= (NM_001456.4); c.4524C>T (NM_001456.3).
Identifiers: ClinVar variation 1110725 (VCV001110725.11), dbSNP rs782141778, ClinGen allele CA10560514.
Genomic context (GRCh38, chrX:154,358,519, plus strand): 5'-TTCATCTCCATACAGTACTGAGATGCTGTAGGGCCCTTCTCGGCTGGGCACATAATTGAC[G>A]GTCTGGGTGCCATCAGCGTTGTCTACCACGTCCACTGGCTCCACCAGGCCTGGCCCCAGC-3'
Protein context (NP_001104026.1, residues 1498-1518): DVVDNADGTQ[Thr1508=]VNYVPSREGP

ClinVar aggregate classification (germline): Likely benign. Review status: criteria provided, multiple submitters, no conflicts (2 of 4 stars). 3 submissions from 3 submitters: Likely benign (3). Last evaluated 2025-05-07.

Conditions:
Heterotopia, periventricular, X-linked dominant (PVNH1). Also called: PERIVENTRICULAR NODULAR HETEROTOPIA 1; X-linked periventricular heterotopia; PERIVENTRICULAR NODULAR HETEROTOPIA 4; HETEROTOPIA, PERIVENTRICULAR, 1. Identifiers: Orphanet 2149, Orphanet 82004, MedGen C1848213, MONDO:0010233, OMIM 300049.
Oto-palato-digital syndrome, type II (OPD2). Also called: OPD II SYNDROME; FACIOPALATOOSSEOUS SYNDROME; Otopalatodigital Syndrome, Type II; Otopalatodigital Syndrome Type 2 (FLNA-OPD2). Identifiers: Orphanet 669, Orphanet 90652, MedGen C1844696, MONDO:0010571, OMIM 304120.
Melnick-Needles syndrome (MNS). Also called: MELNICK-NEEDLES OSTEODYSPLASTY; OSTEODYSPLASTY OF MELNICK AND NEEDLES; Melnick-Needles Syndrome (FLNA-MNS). Identifiers: Orphanet 2484, MedGen C0025237, MONDO:0010650, OMIM 309350.
Frontometaphyseal dysplasia (FMD1). Identifiers: Orphanet 1826, MedGen C0265293, MONDO:0015942.
Familial thoracic aortic aneurysm and aortic dissection (TAAD). Also called: Thoracic aortic aneurysms and dissections. Identifiers: Orphanet 91387, MedGen C4707243, MONDO:0019625.

Allele frequency attached by ClinVar (database versions not stated): ExAC 0.00001; gnomAD 0.00001; gnomAD exomes 0.00001; 1000 Genomes Project 30x 0.00042.
gnomAD v4.1: 6 of 1,207,640 alleles (0.0005%); highest among the groups gnomAD compares: South Asian, 0.0035%; no homozygotes.

Submissions (3):

Mayo Clinic Laboratories, Mayo Clinic
Classification: Likely benign. Last evaluated: 2025-05-07. Review status: criteria provided, single submitter. Criteria: ACMG Guidelines, 2015. Collection method: clinical testing. Allele origin: germline. Observed: 1 variant allele.
Comment: BP4, BP7

Labcorp Genetics (formerly Invitae), Labcorp
Classification: Likely benign for Oto-palato-digital syndrome, type II; Heterotopia, periventricular, X-linked dominant; Frontometaphyseal dysplasia; Melnick-Needles syndrome. Last evaluated: 2025-01-07. Review status: criteria provided, single submitter. Criteria: Invitae Variant Classification Sherloc (09022015). Collection method: clinical testing. Allele origin: germline.

Ambry Genetics
Classification: Likely benign for Familial thoracic aortic aneurysm and aortic dissection. Last evaluated: 2024-12-05. Review status: criteria provided, single submitter. Criteria: Ambry Variant Classification Scheme 2023. Collection method: clinical testing. Allele origin: germline.